The following continues an entry in ClinVar:

NM_000256.3(MYBPC3):c.26-2A>G

Gene: MYBPC3. ClinVar aggregate classification (germline): Uncertain significance. Uncertain significance (1).

Submissions 22 to 36 of 36:

CHEO Genetics Diagnostic Laboratory, Children's Hospital of Eastern Ontario
Classification: Pathogenic for Cardiomyopathy. Last evaluated: 2021-09-08. Review status: criteria provided, single submitter. Criteria: ACMG Guidelines, 2015. Collection method: clinical testing. Allele origin: germline. Not counted in ClinVar's aggregate classification.

Department of Pathology and Laboratory Medicine, Sinai Health System
Classification: Pathogenic for hypertrophic cardiomyopathy. Last evaluated: 2021-07-30. Review status: criteria provided, single submitter. Criteria: ACMG Guidelines, 2015. Collection method: research. Allele origin: germline. Not counted in ClinVar's aggregate classification.

Clinical Genomics Laboratory, Stanford Medicine
Classification: Pathogenic for Hypertrophic cardiomyopathy 4. Last evaluated: 2021-06-29. Review status: criteria provided, single submitter. Criteria: ACMG Guidelines, 2015. Collection method: clinical testing. Allele origin: germline. Affected: yes. Observed: 1 heterozygote. Not counted in ClinVar's aggregate classification.
Comment: The c.26-2A>G variant in the MYBPC3gene has been previously reported in many unrelated individuals with hypertrophic cardiomyopathy(Van Driest et al., 2004; Ehlermann et al., 2008; Kapplinger et al., 2014; Walsh et al., 2017), and segregated in 6 affected relatives from a five-generation family with left ventricular non-compaction (Sedaghat-Hamedani et al., 2017). This variant has been identified in6/115,748 European non-Finnish chromosomes(7/255,378 chromosomesoverall)by the Genome Aggregation Database. Although this variant has been seen in the general population, its frequency is low enough to be consistent with the prevalence of hypertrophic cardiomyopathy.The c.26-2A>G variant alters the canonical acceptor splice site in intron 1, which is predicted to result in abnormal gene splicing.Heterozygous loss-of-function is an established mechanism of disease for the MYBPC3gene(Helms et al., 2020).These data were assessed using the ACMG/AMP variant interpretation guidelines. In summary, there is sufficient evidence to classify the c.26-2A>G variant as pathogenic for autosomal dominant hypertrophic cardiomyopathy based on the information above. [ACMG evidence codes used: PVS1_Strong; PS4; PM2; PP1]

Institute of Human Genetics, University of Leipzig Medical Center
Classification: Pathogenic for Intellectual disability. Last evaluated: 2020-08-03. Review status: criteria provided, single submitter. Criteria: ACMG Guidelines, 2015. Collection method: clinical testing. Allele origin: unknown. Affected: yes. Not counted in ClinVar's aggregate classification.
Comment: Inheritance for this variant was unknown.

Laboratory for Molecular Medicine, Mass General Brigham Personalized Medicine
Classification: Pathogenic for Hypertrophic cardiomyopathy. Last evaluated: 2019-08-29. Review status: criteria provided, single submitter. Criteria: LMM Criteria. Collection method: clinical testing. Allele origin: germline. Inheritance: Autosomal dominant inheritance. Observed: 20 variant alleles. Not counted in ClinVar's aggregate classification.
Comment: The c.26-2A>G variant in MYBPC3 has been reported in >10 individuals with HCM, segregated with disease in 4 affected relatives from 3 families, including 1 obligate carrier (Van Driest 2004, Ehlermann 2008, Waldmuller 2011, Page 2012, Kapplinger 2014, LMM unpublished data). It has also been reported in ClinVar (Variation ID 42644), in 7/114350 of European chromosomes by the Genome Aggregation Database (gnomAD; dbSNP rs376395543), and in 2 unaffected adults (Natarajan 2016, LMM unpublished data). For diseases with clinical variability and reduced penetrance, pathogenic variants may be present at a low frequency in the general population. Finally, this variant occurs in the invariant region (+/- 1,2) of the splice consensus sequence, and the variant is predicted to damage the canonical splice site. Heterozygous splice variants in MYBPC3 are prevalent in cases of HCM. However, an alternate splice site is predicted to occur 6 bps downstream, and, if used, would lead to an in-frame deletion of 2 amino acids, though these computational tools are not predictive enough to suggest this alternative splice site would be use in vivo. In summary, this variant meets criteria to be classified as pathogenic for HCM in an autosomal dominant manner based upon predicted impact to the protein, presence in affected individuals and segregation studies. The ACMG/AMP Criteria applied: PS4; PM4; PP1_Supporting; PM2_Supporting.

Human Genome Sequencing Center Clinical Lab, Baylor College of Medicine
Classification: Pathogenic for hypertrophic cardiomyopathy. Last evaluated: 2018-07-18. Review status: criteria provided, single submitter. Criteria: ACMG Guidelines, 2015. Collection method: clinical testing. Allele origin: unknown. Not counted in ClinVar's aggregate classification.
Comment: The c.26-2A>G variant of the MYBPC3 gene disrupts the splicing acceptor site in intron 1 and is expected to alter RNA splicing, leading to disrupted protein structure and function. Loss-of-function variants in MYBPC3 are known to be pathogenic (PMID: 19574547). This variant has been reported in over 20 individuals affected with hypertrophic cardiomyopathy (PMID: 15519027, 18957093, 21750094, 22267749, 23674513, 24510615, 27532257, 27831900). This variant has been identified in 3/255378 chromosomes in the general population by the gnomAD database. Based on these evidence, the c.26-2A>G variant of the MYBPC3 gene is classified as pathogenic.

HudsonAlpha Institute for Biotechnology
Classification: Pathogenic for Hypertrophic cardiomyopathy 4. Last evaluated: 2018-05-08. Review status: criteria provided, single submitter. Criteria: ACMG Guidelines, 2015. Collection method: research. Allele origin: unknown. Observed: 1 variant allele. Study: AGHI-GT-HudsonAlpha. Not counted in ClinVar's aggregate classification.

Centre for Mendelian Genomics, University Medical Centre Ljubljana
Classification: Pathogenic for Hypertrophic cardiomyopathy 4. Last evaluated: 2016-01-01. Review status: criteria provided, single submitter. Criteria: ACMG Guidelines, 2015. Collection method: clinical testing. Allele origin: unknown. Affected: yes. Not counted in ClinVar's aggregate classification.
Comment: This variant was classified as: Pathogenic. The following ACMG criteria were applied in classifying this variant: PVS1,PS1,PP3.

Center for Genomics, Ann and Robert H. Lurie Children's Hospital of Chicago
Classification: Pathogenic for Hypertrophic cardiomyopathy 4; Left ventricular noncompaction 10. Review status: criteria provided, single submitter. Criteria: ACMG Guidelines, 2015. Collection method: clinical testing. Allele origin: germline. Not counted in ClinVar's aggregate classification.
Comment: MYBPC3 NM_000256.3 exon 2 c.26-2A>G: This variant has been reported in the literature in several individuals with HCM or LVNC, segregating with disease in multiple affected family members within at least two families (Van Driest 2004 PMID:15519027, Ehlermann 2008 PMID:18957093, Page 2012 PMID:22267749, Sedaghat-Hamedani 2017 PMID:29029073, Walsh 2017 PMID:27532257). This variant is present in 0.005% (6/115748) of European alleles in the Genome Aggregation Database). Please note, disease causing variants may be present in control databases at low frequencies, reflective of the general population, reduced penetrance, and/or variable expressivity. This variant is present in ClinVar, with several labs classifying this variant as pathogenic or likely pathogenic (Variation ID:42644). Evolutionary conservation and computational predictive tools for this variant are limited or unavailable. Of note, this variant alters the consensus splice sequence (+/- 1,2) which is predicted to result in an absent or abnormal protein. Loss of function variants are a known mechanism of disease for this gene (Marston 2009 PMID:19574547). In summary, this variant is classified as pathogenic based on the data above (segregation studies, impact to protein etc.)

CSER _CC_NCGL, University of Washington
Classification: Likely pathogenic for Cardiomyopathy, hypertrophic. Last evaluated: 2014-06-01. Review status: no assertion criteria provided. Collection method: research. Allele origin: germline. Inheritance: Autosomal dominant inheritance. Study: ESP 6500 variant annotation. Not counted in ClinVar's aggregate classification.
Comment: Variants classified for the Actionable exomic incidental findings in 6503 participants: challenges of variant classification manuscript

Clinical Genetics DNA and cytogenetics Diagnostics Lab, Erasmus MC, Erasmus Medical Center
Classification: Pathogenic. Review status: no assertion criteria provided. Collection method: clinical testing. Allele origin: germline. Affected: yes. Study: VKGL Data-share Consensus. Not counted in ClinVar's aggregate classification.

Clinical Genetics, Academic Medical Center
Classification: Pathogenic. Review status: no assertion criteria provided. Collection method: clinical testing. Allele origin: germline. Affected: yes. Study: VKGL Data-share Consensus. Not counted in ClinVar's aggregate classification.

Diagnostic Laboratory, Department of Genetics, University Medical Center Groningen
Classification: Pathogenic. Review status: no assertion criteria provided. Collection method: clinical testing. Allele origin: germline. Affected: yes. Study: VKGL Data-share Consensus. Not counted in ClinVar's aggregate classification.

Genome Diagnostics Laboratory, University Medical Center Utrecht
Classification: Pathogenic. Review status: no assertion criteria provided. Collection method: clinical testing. Allele origin: germline. Affected: yes. Study: VKGL Data-share Consensus. Not counted in ClinVar's aggregate classification.

Joint Genome Diagnostic Labs from Nijmegen and Maastricht, Radboudumc and MUMC+
Classification: Pathogenic. Review status: no assertion criteria provided. Collection method: clinical testing. Allele origin: germline. Affected: yes. Study: VKGL Data-share Consensus. Not counted in ClinVar's aggregate classification.

Literature cited by the submitters: PubMed 15519027 (cited by 9 submitters); PubMed 29029073 (cited by 3 submitters); PubMed 18957093 (cited by 7 submitters); PubMed 22267749 (cited by 7 submitters); PubMed 27532257 (cited by 6 submitters); PubMed 16199547 (cited by Labcorp Genetics (formerly Invitae), Labcorp); PubMed 19574547 (cited by Labcorp Genetics (formerly Invitae), Labcorp); PubMed 23674513 (cited by 4 submitters); PubMed 24510615 (cited by 6 submitters); PubMed 30456444 (cited by Rady Children's Institute for Genomic Medicine, Rady Children's Hospital San Diego); PubMed 32841044 (cited by Rady Children's Institute for Genomic Medicine, Rady Children's Hospital San Diego and Synevo Romania); PubMed 21750094 (cited by 5 submitters); PubMed 2367451 (cited by Synevo Romania); PubMed 27831900 (cited by 5 submitters); PubMed 37652022 (cited by Color Diagnostics, LLC DBA Color Health); PubMed 25637381 (cited by AiLife Diagnostics and Laboratory for Molecular Medicine, Mass General Brigham Personalized Medicine); PubMed 32686758 (cited by AiLife Diagnostics); PubMed 33258288 (cited by AiLife Diagnostics); PubMed 25525159 (cited by AiLife Diagnostics and Laboratory for Molecular Medicine, Mass General Brigham Personalized Medicine); PubMed 31447099 (cited by AiLife Diagnostics); PubMed 27096365 (cited by Laboratory for Molecular Medicine, Mass General Brigham Personalized Medicine).